The following is an entry in ClinVar:

NM_015354.3(NUP188):c.2020C>T (p.Gln674Ter)

Gene: NUP188 (nucleoporin 188; plus strand). Cytogenetic location: 9q34.11.
Variant type: single nucleotide variant.
Coding change: c.2020C>T on transcript NM_015354.3 (MANE Select); coding-DNA position 2020, C replaced by T.
Protein change: p.Gln674Ter; replaces glutamine 674 with a stop codon.
Molecular consequence: nonsense.
Genome position (GRCh38, 1-based): chr9:128,984,958, C>T. VCF-style: chr9-128984958-C-T. GRCh37 (hg19) VCF-style: chr9-131747237-C-T.
Other names: short protein forms Q674*.
Identifiers: ClinVar variation 2148927 (VCV002148927.1), dbSNP rs2492070130, ClinGen allele CA375093344.

ClinVar aggregate classification (germline): Pathogenic (1 of 4 stars; one submission).

Submission:

Labcorp Genetics (formerly Invitae), Labcorp
Classification: Pathogenic. Last evaluated: 2022-07-05. Review status: criteria provided, single submitter. Criteria: Invitae Variant Classification Sherloc (09022015). Collection method: clinical testing. Allele origin: germline.
Comment: This sequence change creates a premature translational stop signal (p.Gln674*) in the NUP188 gene. It is expected to result in an absent or disrupted protein product. Loss-of-function variants in NUP188 are known to be pathogenic (PMID: 32021605, 32275884). This variant is not present in population databases (gnomAD no frequency). This variant has not been reported in the literature in individuals affected with NUP188-related conditions. For these reasons, this variant has been classified as Pathogenic.

Literature cited by the submitters: PubMed 32021605; PubMed 32275884.